The following is an entry in ClinVar:

NM_001042492.3(NF1):c.7044C>T (p.Leu2348=)

Gene: NF1 (neurofibromin 1; plus strand). Cytogenetic location: 17q11.2.
Variant type: single nucleotide variant.
Coding change: c.7044C>T on transcript NM_001042492.3 (MANE Select); coding-DNA position 7044, C replaced by T.
Protein change: p.Leu2348=; no amino-acid change (leucine 2348 retained).
Molecular consequence: synonymous variant.
Genome position (GRCh38, 1-based): chr17:31,340,627, C>T. VCF-style: chr17-31340627-C-T. GRCh37 (hg19) VCF-style: chr17-29667645-C-T.
Other names: c.6981C>T, p.Leu2327= (NM_000267.4).
Identifiers: ClinVar variation 481929 (VCV000481929.17), dbSNP rs1350755921, ClinGen allele CA499235463.
Genomic context (GRCh38, chr17:31,340,627, plus strand): 5'-CAACTTGTATTCAGCAGGTACCGCACTTCTTGAACAAAACCTGCATACTTTAGATAGTCT[C>T]CGTATATTCAATGACAAGGTAAGCAAACTTTGCCTTGAGGTTCCTAGATTACTCAAATTT-3'
Protein context (NP_001035957.1, residues 2338-2358): LEQNLHTLDS[Leu2348=]RIFNDKSPEE

ClinVar aggregate classification (germline): Benign/Likely benign. Review status: criteria provided, multiple submitters, no conflicts (2 of 4 stars). 6 submissions from 5 submitters: Benign (1); Likely benign (5). Last evaluated 2026-05-21.

Conditions:
Hereditary cancer-predisposing syndrome. Also called: Hereditary neoplastic syndrome; Neoplastic Syndromes, Hereditary; Hereditary Cancer Syndrome; Tumor predisposition. Identifiers: Orphanet 140162, MedGen C0027672, MeSH D009386, MONDO:0015356.
Cardiovascular phenotype. Identifiers: MedGen CN230736.
Café-au-lait macules with pulmonary stenosis (WTSN). Also called: PULMONIC STENOSIS WITH CAFE-AU-LAIT SPOTS. Identifiers: MedGen C0553586, MONDO:0008672, OMIM 193520.
Neurofibromatosis-Noonan syndrome (NFNS). Also called: NEUROFIBROMATOSIS WITH NOONAN PHENOTYPE. Identifiers: Orphanet 638, MedGen C2931482, MONDO:0011035, OMIM 601321. Disease mechanism: loss of function.
Neurofibromatosis, familial spinal (FSNF). Identifiers: Orphanet 636, MedGen C1834235, MONDO:0008078, OMIM 162210. Disease mechanism: loss of function.
Juvenile myelomonocytic leukemia (JMML). Also called: LEUKEMIA, JUVENILE MYELOMONOCYTIC, SOMATIC. Identifiers: Orphanet 86834, MedGen C0349639, MONDO:0011908, OMIM 607785, HP:0012209.
Neurofibromatosis, type 1 (NF1). Also called: Peripheral type neurofibromatosis; Neurofibromatosis, type I; VON RECKLINGHAUSEN DISEASE; NEUROFIBROMATOSIS, TYPE I, SOMATIC. Identifiers: Orphanet 636, MedGen C0027831, MONDO:0018975, OMIM 162200. Disease mechanism: loss of function.

Allele frequency attached by ClinVar (database versions not stated): TOPMed below 0.00001; gnomAD 0.00001.
gnomAD v4.1: 6 of 1,613,924 alleles (0.00037%); highest among the groups gnomAD compares: Non-Finnish European, 0.00051%; no homozygotes.

Submissions (6):

Myriad Genetics, Inc.
Classification: Benign for Neurofibromatosis, type 1. Last evaluated: 2026-05-21. Review status: criteria provided, single submitter. Criteria: Myriad Autosomal Dominant, Autosomal Recessive and X-Linked Classification Criteria (2023). Collection method: clinical testing. Allele origin: unknown.
Comment: This variant is considered benign. This variant is a silent/synonymous amino acid change and it is not expected to impact splicing.

Labcorp Genetics (formerly Invitae), Labcorp
Classification: Likely benign for Neurofibromatosis, type 1. Last evaluated: 2025-12-20. Review status: criteria provided, single submitter. Criteria: Invitae Variant Classification Sherloc (09022015). Collection method: clinical testing. Allele origin: germline.

Fulgent Genetics
Classification: Likely benign for Neurofibromatosis, type 1; Neurofibromatosis, familial spinal; Café-au-lait macules with pulmonary stenosis; Neurofibromatosis-Noonan syndrome; Juvenile myelomonocytic leukemia. Last evaluated: 2022-04-14. Review status: criteria provided, single submitter. Criteria: ACMG Guidelines, 2015. Collection method: clinical testing. Allele origin: unknown.

Genome-Nilou Lab
Classification: Likely benign for Neurofibromatosis, type 1. Last evaluated: 2022-03-15. Review status: criteria provided, single submitter. Criteria: ACMG Guidelines, 2015. Collection method: clinical testing. Allele origin: germline. Affected: no.

Ambry Genetics
Classification: Likely benign for Hereditary cancer-predisposing syndrome. Last evaluated: 2016-05-10. Review status: criteria provided, single submitter. Criteria: Ambry Autosomal Dominant and X-Linked criteria (10/2015). Collection method: clinical testing. Allele origin: germline. Observed: 1 variant allele.
Comment: Synonymous alterations with insufficient evidence to classify as benign

Ambry Genetics
Classification: Likely benign for Cardiovascular phenotype; Hereditary cancer-predisposing syndrome. Last evaluated: 2016-05-10. Review status: criteria provided, single submitter. Criteria: Ambry Variant Classification Scheme 2023. Collection method: clinical testing. Allele origin: germline.